The following is an entry in ClinVar:

NM_000082.4(ERCC8):c.840_841del (p.Leu281fs)

Gene: ERCC8 (ERCC excision repair 8, CSA ubiquitin ligase complex subunit; minus strand). Cytogenetic location: 5q12.1.
Variant type: Microsatellite.
Coding change: c.840_841del on transcript NM_000082.4 (MANE Select); coding-DNA positions 840 to 841, 2 bases deleted (AC; older notation c.840_841delAC).
Protein change: p.Leu281fs; shifts the reading frame from leucine 281.
Molecular consequence: frameshift variant.
Genome position (GRCh38, 1-based): chr5:60,898,278-60,898,279, GT deleted on the plus strand (AC on the coding strand, the reverse complement: ERCC8 is on the minus strand); deleting any 2 consecutive bases within chr5:60,898,278-60,898,283 gives the same sequence; the c. name uses the placement nearest the transcript's 3' end. VCF-style (leftmost placement, unchanged base first): chr5-60898277-AGT-A. GRCh37 (hg19) VCF-style: chr5-60194104-AGT-A.
Other names: c.840_841delAC (NM_000082.4); c.666_667del, p.Leu223fs (NM_001007233.3); c.381_382del, p.Leu128fs (NM_001290285.2); short protein forms L223fs, L128fs, L281fs.
Identifiers: ClinVar variation 3711413 (VCV003711413.2).

ClinVar aggregate classification (germline): Pathogenic. Review status: criteria provided, multiple submitters, no conflicts (2 of 4 stars). 2 submissions from 2 submitters: Pathogenic (2). Last evaluated 2025-01-01.

Conditions:
Cockayne syndrome type 1. Also called: Cockayne syndrome type I; Cockayne syndrome classical; Cockayne syndrome classic form. Identifiers: Orphanet 191, Orphanet 90321, MedGen C0751039, MONDO:0019569, OMIM 216400.

Submissions (2):

Medical Molecular Genetics Department, National Research Center
Classification: Pathogenic for Cockayne syndrome type 1. Last evaluated: 2025-01-01. Review status: criteria provided, single submitter. Criteria: ACMG Guidelines, 2015. Collection method: research. Allele origin: germline. Affected: yes. Observed: 1 variant allele.
Comment: The ERCC8(NM_000082.4):c.840_841del, p.(Leu281Cysfs*8) variant is a frameshift variant resulting in a premature termination codon, predicted to cause a truncation of the encoded protein or absence of the protein due to nonsense mediated decay in a gene where loss-of-function is a known disease mechanism (PVS1). This variant is absent from large population cohorts (gnomAD; PM2). It was identified in a proband diagnosed with Cockayne syndrome which represents a highly specific phenotype for ERCC8-related disease (PP4). ClinVar has one submission of this variant as Pathogenic (SCV005822446.2; PP5). In summary, this variant meets criteria to be classified as pathogenic for xeroderma pigmentosum based on the ACMG criteria: PVS1, PM2, PP4 and PP5.

Labcorp Genetics (formerly Invitae), Labcorp
Classification: Pathogenic. Last evaluated: 2024-04-25. Review status: criteria provided, single submitter. Criteria: Invitae Variant Classification Sherloc (09022015). Collection method: clinical testing. Allele origin: germline.
Comment: This sequence change creates a premature translational stop signal (p.Leu281Cysfs*8) in the ERCC8 gene. It is expected to result in an absent or disrupted protein product. Loss-of-function variants in ERCC8 are known to be pathogenic (PMID: 29572252). This variant is not present in population databases (gnomAD no frequency). This variant has not been reported in the literature in individuals affected with ERCC8-related conditions. For these reasons, this variant has been classified as Pathogenic.

Literature cited by the submitters: PubMed 29572252 (cited by Labcorp Genetics (formerly Invitae), Labcorp).